The following is an entry in ClinVar:

ClinVar aggregate classification (germline): Uncertain significance (1 of 4 stars; one submission).

Conditions:
Adams-Oliver syndrome 5 (AOS5). Identifiers: Orphanet 974, MedGen C4014970, MONDO:0014459, OMIM 616028.

Submission:

Labcorp Genetics (formerly Invitae), Labcorp
Classification: Uncertain significance for Adams-Oliver syndrome 5. Last evaluated: 2025-03-14. Review status: criteria provided, single submitter. Criteria: Invitae Variant Classification Sherloc (09022015). Collection method: clinical testing. Allele origin: germline.
Comment: This sequence change replaces lysine, which is basic and polar, with arginine, which is basic and polar, at codon 542 of the NOTCH1 protein (p.Lys542Arg). This variant is not present in population databases (gnomAD no frequency). This variant has not been reported in the literature in individuals affected with NOTCH1-related conditions. Invitae Evidence Modeling of protein sequence and biophysical properties (such as structural, functional, and spatial information, amino acid conservation, physicochemical variation, residue mobility, and thermodynamic stability) indicates that this missense variant is not expected to disrupt NOTCH1 protein function with a negative predictive value of 95%. In summary, the available evidence is currently insufficient to determine the role of this variant in disease. Therefore, it has been classified as a Variant of Uncertain Significance.

NM_017617.5(NOTCH1):c.1625A>G (p.Lys542Arg)

Gene: NOTCH1 (notch receptor 1; minus strand). Cytogenetic location: 9q34.3.
Variant type: single nucleotide variant.
Coding change: c.1625A>G on transcript NM_017617.5 (MANE Select); coding-DNA position 1625, A replaced by G.
Protein change: p.Lys542Arg; replaces lysine 542 with arginine.
Molecular consequence: missense variant.
Genome position (GRCh38, 1-based): chr9:136,516,025, T>C on the plus strand (A>G on the coding strand, the complement: NOTCH1 is on the minus strand). VCF-style: chr9-136516025-T-C. GRCh37 (hg19) VCF-style: chr9-139410477-T-C.
Other names: short protein forms K542R.
Identifiers: ClinVar variation 4768706 (VCV004768706.1).